The following is an entry in ClinVar:

NM_001042517.2(DIAPH3):c.313G>A (p.Ala105Thr)

Gene: DIAPH3 (diaphanous related formin 3; minus strand). Cytogenetic location: 13q21.2.
Variant type: single nucleotide variant.
Coding change: c.313G>A on transcript NM_001042517.2 (MANE Select); coding-DNA position 313, G replaced by A.
Protein change: p.Ala105Thr; replaces alanine 105 with threonine.
Molecular consequence: missense variant. On other transcripts: intron variant (1).
Genome position (GRCh38, 1-based): chr13:60,112,087, C>T on the plus strand (G>A on the coding strand, the complement: DIAPH3 is on the minus strand). VCF-style: chr13-60112087-C-T. GRCh37 (hg19) VCF-style: chr13-60686221-C-T.
Other names: c.280G>A, p.Ala94Thr (NM_001258366.2, NM_001258367.2); c.313G>A, p.Ala105Thr (NM_001258369.2); c.181-18355G>A (NM_001258368.2); short protein forms A105T, A94T.
Identifiers: ClinVar variation 4766674 (VCV004766674.1).

ClinVar aggregate classification (germline): Uncertain significance (1 of 4 stars; one submission).

gnomAD v4.1: 4 of 1,613,980 alleles (0.00025%); highest among the groups gnomAD compares: Admixed American, 0.0033%; no homozygotes.

Submission:

Labcorp Genetics (formerly Invitae), Labcorp
Classification: Uncertain significance. Last evaluated: 2025-07-20. Review status: criteria provided, single submitter. Criteria: Invitae Variant Classification Sherloc (09022015). Collection method: clinical testing. Allele origin: germline.
Comment: This sequence change replaces alanine, which is neutral and non-polar, with threonine, which is neutral and polar, at codon 105 of the DIAPH3 protein (p.Ala105Thr). This variant is not present in population databases (gnomAD no frequency). This variant has not been reported in the literature in individuals affected with DIAPH3-related conditions. An algorithm developed to predict the effect of missense changes on protein structure and function outputs the following: PolyPhen-2: "Benign". The threonine amino acid residue is found in multiple mammalian species, which suggests that this missense change does not adversely affect protein function. In summary, the available evidence is currently insufficient to determine the role of this variant in disease. Therefore, it has been classified as a Variant of Uncertain Significance.